The following is an entry in ClinVar:

ClinVar aggregate classification (germline): Uncertain significance. Review status: criteria provided, multiple submitters, no conflicts (2 of 4 stars). 2 submissions from 2 submitters: Uncertain significance (2). Last evaluated 2026-03-04.

Conditions:
Hereditary cancer-predisposing syndrome. Also called: Tumor predisposition; Neoplastic Syndromes, Hereditary; Hereditary Cancer Syndrome; Hereditary neoplastic syndrome. Identifiers: Orphanet 140162, MedGen C0027672, MeSH D009386, MONDO:0015356.
Ataxia-telangiectasia syndrome (AT). Also called: ATAXIA-TELANGIECTASIA, COMPLEMENTATION GROUP A; ATAXIA-TELANGIECTASIA, FRESNO VARIANT; Ataxia-telangiectasia; Ataxia-telangiectasia, complementation group D; AT, COMPLEMENTATION GROUP C; Ataxia-telangiectasia, complementation group E. Identifiers: Orphanet 100, MedGen C0004135, MONDO:0008840, OMIM 208900.

Submissions (2):

Ambry Genetics
Classification: Uncertain significance for Hereditary cancer-predisposing syndrome. Last evaluated: 2026-03-04. Review status: criteria provided, single submitter. Criteria: Ambry Variant Classification Scheme 2023. Collection method: clinical testing. Allele origin: germline.
Comment: The p.T1926K variant (also known as c.5777C>A), located in coding exon 38 of the ATM gene, results from a C to A substitution at nucleotide position 5777. The threonine at codon 1926 is replaced by lysine, an amino acid with similar properties. This amino acid position is conserved. In addition, this alteration is predicted to be deleterious by in silico analysis. Based on the available evidence, the clinical significance of this variant remains unclear.

Labcorp Genetics (formerly Invitae), Labcorp
Classification: Uncertain significance for Ataxia-telangiectasia syndrome. Last evaluated: 2019-05-15. Review status: criteria provided, single submitter. Criteria: Invitae Variant Classification Sherloc (09022015). Collection method: clinical testing. Allele origin: germline.
Comment: This sequence change replaces threonine with lysine at codon 1926 of the ATM protein (p.Thr1926Lys). The threonine residue is highly conserved and there is a moderate physicochemical difference between threonine and lysine. This variant is not present in population databases (ExAC no frequency). This variant has not been reported in the literature in individuals with ATM-related conditions. Algorithms developed to predict the effect of missense changes on protein structure and function (SIFT, PolyPhen-2, Align-GVGD) all suggest that this variant is likely to be disruptive, but these predictions have not been confirmed by published functional studies and their clinical significance is uncertain. In summary, the available evidence is currently insufficient to determine the role of this variant in disease. Therefore, it has been classified as a Variant of Uncertain Significance.

NM_000051.4(ATM):c.5777C>A (p.Thr1926Lys)

Genes: ATM (ATM serine/threonine kinase; plus strand), C11orf65 (chromosome 11 open reading frame 65; minus strand). Cytogenetic location: 11q22.3.
Variant type: single nucleotide variant.
Coding change: c.5777C>A on transcript NM_000051.4 (MANE Select); coding-DNA position 5777, C replaced by A.
Protein change: p.Thr1926Lys; replaces threonine 1926 with lysine.
Molecular consequence: missense variant. On other transcripts: intron variant (2).
Genome position (GRCh38, 1-based): chr11:108,310,174, C>A. VCF-style: chr11-108310174-C-A. GRCh37 (hg19) VCF-style: chr11-108180901-C-A.
Other names: c.5777C>A, p.Thr1926Lys (NM_001351834.2); c.641-1103G>T (NM_001330368.2); c.*39-1103G>T (NM_001351110.2); short protein forms T1926K.
Identifiers: ClinVar variation 834829 (VCV000834829.11), dbSNP rs876660944, ClinGen allele CA382548300.